The following is an entry in ClinVar:

NM_012275.3(IL36RN):c.40T>G (p.Ser14Ala)

Gene: IL36RN (interleukin 36 receptor antagonist; plus strand). Cytogenetic location: 2q14.1.
Variant type: single nucleotide variant.
Coding change: c.40T>G on transcript NM_012275.3 (MANE Select); coding-DNA position 40, T replaced by G.
Protein change: p.Ser14Ala; replaces serine 14 with alanine.
Molecular consequence: missense variant.
Genome position (GRCh38, 1-based): chr2:113,060,862, T>G. VCF-style: chr2-113060862-T-G. GRCh37 (hg19) VCF-style: chr2-113818439-T-G.
Other names: c.40T>G, p.Ser14Ala (NM_173170.1); short protein forms S14A.
Identifiers: ClinVar variation 1015242 (VCV001015242.9), dbSNP rs1191516439, ClinGen allele CA348289178.

ClinVar aggregate classification (germline): Uncertain significance (1 of 4 stars; one submission).

Conditions:
Generalized pustular psoriasis. Identifiers: Orphanet 247353, MedGen C0343055, MONDO:0100491.

Allele frequency attached by ClinVar (database versions not stated): TOPMed below 0.00001.

Submission:

Labcorp Genetics (formerly Invitae), Labcorp
Classification: Uncertain significance for Generalized pustular psoriasis. Last evaluated: 2024-02-24. Review status: criteria provided, single submitter. Criteria: Invitae Variant Classification Sherloc (09022015). Collection method: clinical testing. Allele origin: germline.
Comment: This sequence change replaces serine, which is neutral and polar, with alanine, which is neutral and non-polar, at codon 14 of the IL36RN protein (p.Ser14Ala). This variant is not present in population databases (gnomAD no frequency). This variant has not been reported in the literature in individuals affected with IL36RN-related conditions. ClinVar contains an entry for this variant (Variation ID: 1015242). Algorithms developed to predict the effect of missense changes on protein structure and function output the following: SIFT: "Not Available"; PolyPhen-2: "Benign"; Align-GVGD: "Not Available". The alanine amino acid residue is found in multiple mammalian species, which suggests that this missense change does not adversely affect protein function. In summary, the available evidence is currently insufficient to determine the role of this variant in disease. Therefore, it has been classified as a Variant of Uncertain Significance.